The following is an entry in ClinVar:

ClinVar aggregate classification (germline): Likely benign (0 of 4 stars; one submission).

Conditions:
COQ9-related disorder. Also called: COQ9-related condition.

Allele frequency attached by ClinVar (database versions not stated): gnomAD exomes below 0.00001; gnomAD 0.00001.
gnomAD v4.1: 3 of 1,614,086 alleles (0.00019%); highest among the groups gnomAD compares: Non-Finnish European, 0.00025%; no homozygotes.

Submission:

PreventionGenetics, part of Exact Sciences
Classification: Likely benign for COQ9-related condition. Last evaluated: 2019-12-04. Review status: no assertion criteria provided. Collection method: clinical testing. Allele origin: germline.
Comment: This variant is classified as likely benign based on ACMG/AMP sequence variant interpretation guidelines (Richards et al. 2015 PMID: 25741868, with internal and published modifications).

NM_020312.4(COQ9):c.242+3A>G

Gene: COQ9 (coenzyme Q9; plus strand). Cytogenetic location: 16q21.
Variant type: single nucleotide variant.
Coding change: c.242+3A>G on transcript NM_020312.4 (MANE Select); 3 bases into the intron after coding-DNA position 242, A replaced by G.
Molecular consequence: intron variant.
Genome position (GRCh38, 1-based): chr16:57,451,211, A>G. VCF-style: chr16-57451211-A-G. GRCh37 (hg19) VCF-style: chr16-57485123-A-G.
Identifiers: ClinVar variation 3047968 (VCV003047968.2), dbSNP rs1209951355, ClinGen allele CA623113167.